The following is an entry in ClinVar:

ClinVar aggregate classification (germline): Uncertain significance (1 of 4 stars; one submission).

Conditions:
Peroxisome biogenesis disorder 11A (Zellweger). Also called: Peroxisome biogenesis disorder 11A. Identifiers: Orphanet 912, MedGen C3554000, MONDO:0013949, OMIM 614883.

Allele frequency attached by ClinVar (database versions not stated): gnomAD exomes below 0.00001 and 0.00001.
gnomAD v4.1: 3 of 1,613,566 alleles (0.00019%); highest among the groups gnomAD compares: Admixed American, 0.0017%; no homozygotes.

Submission:

Labcorp Genetics (formerly Invitae), Labcorp
Classification: Uncertain significance for Peroxisome biogenesis disorder 11A (Zellweger). Last evaluated: 2021-12-02. Review status: criteria provided, single submitter. Criteria: Invitae Variant Classification Sherloc (09022015). Collection method: clinical testing. Allele origin: germline.
Comment: In summary, the available evidence is currently insufficient to determine the role of this variant in disease. Therefore, it has been classified as a Variant of Uncertain Significance. Algorithms developed to predict the effect of missense changes on protein structure and function are either unavailable or do not agree on the potential impact of this missense change (SIFT: "Deleterious"; PolyPhen-2: "Probably Damaging"; Align-GVGD: "Class C0"). This variant has not been reported in the literature in individuals affected with PEX13-related conditions. This variant is present in population databases (no rsID available, gnomAD 0.003%). This sequence change replaces alanine, which is neutral and non-polar, with threonine, which is neutral and polar, at codon 165 of the PEX13 protein (p.Ala165Thr).

NM_002618.4(PEX13):c.493G>A (p.Ala165Thr)

Gene: PEX13 (peroxisomal biogenesis factor 13; plus strand). Cytogenetic location: 2p15.
Variant type: single nucleotide variant.
Coding change: c.493G>A on transcript NM_002618.4 (MANE Select); coding-DNA position 493, G replaced by A.
Protein change: p.Ala165Thr; replaces alanine 165 with threonine.
Molecular consequence: missense variant.
Genome position (GRCh38, 1-based): chr2:61,031,819, G>A. VCF-style: chr2-61031819-G-A. GRCh37 (hg19) VCF-style: chr2-61258954-G-A.
Other names: short protein forms A165T.
Identifiers: ClinVar variation 1470963 (VCV001470963.6), dbSNP rs1481858907, ClinGen allele CA346943586.